The following is an entry in ClinVar:

NM_000222.3(KIT):c.1619T>C (p.Val540Ala)

Gene: KIT (KIT proto-oncogene, receptor tyrosine kinase; plus strand). Cytogenetic location: 4q12.
Variant type: single nucleotide variant.
Coding change: c.1619T>C on transcript NM_000222.3 (MANE Select); coding-DNA position 1619, T replaced by C.
Protein change: p.Val540Ala; replaces valine 540 with alanine.
Molecular consequence: missense variant.
Genome position (GRCh38, 1-based): chr4:54,727,296, T>C. VCF-style: chr4-54727296-T-C. GRCh37 (hg19) VCF-style: chr4-55593462-T-C.
Other names: c.1607T>C, p.Val536Ala (NM_001093772.2, NM_001385286.1); c.1622T>C, p.Val541Ala (NM_001385284.1, NM_001385290.1); c.1619T>C, p.Val540Ala (NM_001385285.1); c.1610T>C, p.Val537Ala (NM_001385288.1, NM_001385292.1); short protein forms V541A, V537A, V536A, V540A.
Identifiers: ClinVar variation 1423879 (VCV001423879.8), dbSNP rs2109774397, ClinGen allele CA356907337.

ClinVar aggregate classification (germline): Uncertain significance (1 of 4 stars; one submission).

Conditions:
Gastrointestinal stromal tumor. Also called: Gastrointestinal stroma tumor; Gastrointestinal stromal tumor, somatic. Identifiers: Orphanet 44890, MedGen C0238198, MeSH D046152, MONDO:0011719, OMIM 606764, HP:0100723.

Submission:

Labcorp Genetics (formerly Invitae), Labcorp
Classification: Uncertain significance for Gastrointestinal stromal tumor. Last evaluated: 2021-05-13. Review status: criteria provided, single submitter. Criteria: Invitae Variant Classification Sherloc (09022015). Collection method: clinical testing. Allele origin: germline.
Comment: Algorithms developed to predict the effect of missense changes on protein structure and function are either unavailable or do not agree on the potential impact of this missense change (SIFT: "Deleterious"; PolyPhen-2: "Benign"; Align-GVGD: "Class C25"). In summary, the available evidence is currently insufficient to determine the role of this variant in disease. Therefore, it has been classified as a Variant of Uncertain Significance. This variant has not been reported in the literature in individuals with KIT-related conditions. This variant is not present in population databases (ExAC no frequency). This sequence change replaces valine with alanine at codon 540 of the KIT protein (p.Val540Ala). The valine residue is highly conserved and there is a small physicochemical difference between valine and alanine.